The following is an entry in ClinVar:

ClinVar aggregate classification (germline): Uncertain significance (1 of 4 stars; one submission).

Submission:

Labcorp Genetics (formerly Invitae), Labcorp
Classification: Uncertain significance. Last evaluated: 2024-05-22. Review status: criteria provided, single submitter. Criteria: Invitae Variant Classification Sherloc (09022015). Collection method: clinical testing. Allele origin: germline.
Comment: This sequence change replaces isoleucine, which is neutral and non-polar, with asparagine, which is neutral and polar, at codon 629 of the CDHR1 protein (p.Ile629Asn). This variant is not present in population databases (gnomAD no frequency). This variant has not been reported in the literature in individuals affected with CDHR1-related conditions. ClinVar contains an entry for this variant (Variation ID: 2028608). Advanced modeling of protein sequence and biophysical properties (such as structural, functional, and spatial information, amino acid conservation, physicochemical variation, residue mobility, and thermodynamic stability) has been performed at Invitae for this missense variant, however the output from this modeling did not meet the statistical confidence thresholds required to predict the impact of this variant on CDHR1 protein function. In summary, the available evidence is currently insufficient to determine the role of this variant in disease. Therefore, it has been classified as a Variant of Uncertain Significance.

NM_033100.4(CDHR1):c.1886T>A (p.Ile629Asn)

Gene: CDHR1 (cadherin related family member 1; plus strand). Cytogenetic location: 10q23.1.
Variant type: single nucleotide variant.
Coding change: c.1886T>A on transcript NM_033100.4 (MANE Select); coding-DNA position 1886, T replaced by A.
Protein change: p.Ile629Asn; replaces isoleucine 629 with asparagine.
Molecular consequence: missense variant.
Genome position (GRCh38, 1-based): chr10:84,213,194, T>A. VCF-style: chr10-84213194-T-A. GRCh37 (hg19) VCF-style: chr10-85972950-T-A.
Other names: c.1886T>A, p.Ile629Asn (NM_001171971.3); short protein forms I629N.
Identifiers: ClinVar variation 2028608 (VCV002028608.4), dbSNP rs2492543761, ClinGen allele CA377378466.